The following is an entry in ClinVar:

NM_012210.4(TRIM32):c.434G>A (p.Arg145Gln)

Genes: ASTN2 (astrotactin 2; minus strand), TRIM32 (tripartite motif containing 32; plus strand). Cytogenetic location: 9q33.1.
Variant type: single nucleotide variant.
Coding change: c.434G>A on transcript NM_012210.4 (MANE Select); coding-DNA position 434, G replaced by A.
Protein change: p.Arg145Gln; replaces arginine 145 with glutamine.
Molecular consequence: missense variant. On other transcripts: intron variant (3).
Genome position (GRCh38, 1-based): chr9:116,698,176, G>A. VCF-style: chr9-116698176-G-A. GRCh37 (hg19) VCF-style: chr9-119460455-G-A.
Other names: c.434G>A, p.Arg145Gln (NM_001099679.2, NM_001379048.1, NM_001379049.1 and 1 more transcripts); c.2653+27595C>T (NM_014010.5); c.2794+27595C>T (NM_001365069.1); c.2806+27595C>T (NM_001365068.1); short protein forms R145Q.
Identifiers: ClinVar variation 836456 (VCV000836456.10), dbSNP rs753519978, ClinGen allele CA5210973.
Genomic context (GRCh38, chr9:116,698,176, plus strand): 5'-AGGCAGACCATCAGCCTCCTGGCCACTGTACACTCCCTGTCAAAGAAGCAGCTGAGGAGC[G>A]GCGTCGGGACTTTGGAGAGAAGTTAACTCGTCTGCGGGAACTTATGGGGGAGCTGCAGCG-3'
Protein context (NP_036342.2, residues 135-155): TLPVKEAAEE[Arg145Gln]RRDFGEKLTR

ClinVar aggregate classification (germline): Uncertain significance. Review status: criteria provided, multiple submitters, no conflicts (2 of 4 stars). 3 submissions from 3 submitters: Uncertain significance (3). Last evaluated 2026-03-02.

Conditions:
TRIM32-related disorder. Also called: TRIM32-related condition.
Bardet-Biedl syndrome (BBS). Identifiers: Orphanet 110, MedGen C0752166, MONDO:0015229.
Bardet-Biedl syndrome 11 (BBS11). Identifiers: Orphanet 110, MedGen C1859569, MONDO:0014439, OMIM 615988.
Sarcotubular myopathy (LGMDR8). Also called: Limb-girdle muscular dystrophy, type 2H; Hutterite type of muscular dystrophy; Autosomal recessive limb-girdle muscular dystrophy type 2H; MUSCULAR DYSTROPHY, LIMB-GIRDLE, AUTOSOMAL RECESSIVE 8. Identifiers: Orphanet 1878, MedGen C0270968, MONDO:0009683, OMIM 254110.

Allele frequency attached by ClinVar (database versions not stated): ExAC 0.00003; gnomAD 0.00003; gnomAD exomes 0.00003; TOPMed 0.00003.
gnomAD v4.1: 49 of 1,614,048 alleles (0.003%); highest among the groups gnomAD compares: Non-Finnish European, 0.0036%; no homozygotes.

Submissions (3):

PreventionGenetics, part of Exact Sciences
Classification: Uncertain significance for TRIM32-related condition. Last evaluated: 2026-03-02. Review status: criteria provided, single submitter. Criteria: ACMG Guidelines, 2015. Collection method: clinical testing. Allele origin: germline.
Comment: The TRIM32 c.434G>A variant is predicted to result in the amino acid substitution p.Arg145Gln. To our knowledge, this variant has not been reported in the literature. This variant is reported in 0.0065% of alleles in individuals of South Asian descent in gnomAD. At this time, the clinical significance of this variant is uncertain due to the absence of conclusive functional and genetic evidence.

Labcorp Genetics (formerly Invitae), Labcorp
Classification: Uncertain significance for Bardet-Biedl syndrome. Last evaluated: 2022-08-15. Review status: criteria provided, single submitter. Criteria: Invitae Variant Classification Sherloc (09022015). Collection method: clinical testing. Allele origin: germline.
Comment: This sequence change replaces arginine, which is basic and polar, with glutamine, which is neutral and polar, at codon 145 of the TRIM32 protein (p.Arg145Gln). This variant is present in population databases (rs753519978, gnomAD 0.006%). This variant has not been reported in the literature in individuals affected with TRIM32-related conditions. ClinVar contains an entry for this variant (Variation ID: 836456). Algorithms developed to predict the effect of missense changes on protein structure and function (SIFT, PolyPhen-2, Align-GVGD) all suggest that this variant is likely to be disruptive. In summary, the available evidence is currently insufficient to determine the role of this variant in disease. Therefore, it has been classified as a Variant of Uncertain Significance.

Fulgent Genetics
Classification: Uncertain significance for Sarcotubular myopathy; Bardet-Biedl syndrome 11. Last evaluated: 2022-03-04. Review status: criteria provided, single submitter. Criteria: ACMG Guidelines, 2015. Collection method: clinical testing. Allele origin: unknown.